The following is an entry in ClinVar:

ClinVar aggregate classification (germline): Uncertain significance. Review status: criteria provided, multiple submitters, no conflicts (2 of 4 stars). 2 submissions from 2 submitters: Uncertain significance (2). Last evaluated 2025-09-04.

Conditions:
Bethlem myopathy 1A. Also called: MYOPATHY, BENIGN CONGENITAL, WITH CONTRACTURES; Bethlem Muscular Dystrophy; Bethlem myopathy 1. Identifiers: Orphanet 610, MedGen CN029274, MONDO:0024530, OMIM 158810.
Inborn genetic diseases. Identifiers: MedGen C0950123, MeSH D030342.

Submissions (2):

Ambry Genetics
Classification: Uncertain significance for Inborn genetic diseases. Last evaluated: 2025-09-04. Review status: criteria provided, single submitter. Criteria: Ambry Variant Classification Scheme 2023. Collection method: clinical testing. Allele origin: germline.

Labcorp Genetics (formerly Invitae), Labcorp
Classification: Uncertain significance for Bethlem myopathy 1A. Last evaluated: 2025-07-07. Review status: criteria provided, single submitter. Criteria: Invitae Variant Classification Sherloc (09022015). Collection method: clinical testing. Allele origin: germline.
Comment: This sequence change replaces glutamine, which is neutral and polar, with glutamic acid, which is acidic and polar, at codon 278 of the COL6A3 protein (p.Gln278Glu). This variant is not present in population databases (gnomAD no frequency). This variant has not been reported in the literature in individuals affected with COL6A3-related conditions. Invitae Evidence Modeling of protein sequence and biophysical properties (such as structural, functional, and spatial information, amino acid conservation, physicochemical variation, residue mobility, and thermodynamic stability) indicates that this missense variant is not expected to disrupt COL6A3 protein function with a negative predictive value of 95%. In summary, the available evidence is currently insufficient to determine the role of this variant in disease. Therefore, it has been classified as a Variant of Uncertain Significance.

NM_004369.4(COL6A3):c.832C>G (p.Gln278Glu)

Gene: COL6A3 (collagen type VI alpha 3 chain; minus strand). Cytogenetic location: 2q37.3.
Variant type: single nucleotide variant.
Coding change: c.832C>G on transcript NM_004369.4 (MANE Select); coding-DNA position 832, C replaced by G.
Protein change: p.Gln278Glu; replaces glutamine 278 with glutamic acid.
Molecular consequence: missense variant. On other transcripts: intron variant (2).
Genome position (GRCh38, 1-based): chr2:237,388,062, G>C on the plus strand (C>G on the coding strand, the complement: COL6A3 is on the minus strand). VCF-style: chr2-237388062-G-C. GRCh37 (hg19) VCF-style: chr2-238296705-G-C.
Other names: c.214C>G, p.Gln72Glu (NM_057165.5, NM_057167.4); c.92-6563C>G (NM_057166.5, NM_057164.5); short protein forms Q278E, Q72E.
Identifiers: ClinVar variation 4232432 (VCV004232432.2).